The following is an entry in ClinVar:

ClinVar aggregate classification (germline): Conflicting classifications of pathogenicity. Review status: criteria provided, conflicting classifications (1 of 4 stars). 10 submissions from 6 submitters: Uncertain significance (1); Benign (4); Likely benign (5). Last evaluated 2026-08-01.

Conditions:
Hypokalemic periodic paralysis, type 2 (HOKPP2). Identifiers: Orphanet 681, MedGen C2750061, MONDO:0013234, OMIM 613345.
Congenital myasthenic syndrome 16. Identifiers: Orphanet 590, MedGen C3280112, MONDO:0013620, OMIM 614198.
Paramyotonia congenita of Von Eulenburg. Also called: Paramyotonia Congenita; Eulenburg disease; Myotonia congenita intermittens; Von Eulenburg paramyotonia congenita; PARALYSIS PERIODICA PARAMYOTONICA. Identifiers: Orphanet 684, MedGen C0221055, MONDO:0008195, OMIM 168300. Disease mechanism: loss of function.
Hyperkalemic periodic paralysis. Also called: Familial hyperkalemic periodic paralysis; Gamstorp disease. Identifiers: Orphanet 682, MedGen C0238357, MONDO:0008224, OMIM 170500, HP:0007215.
Potassium-aggravated myotonia. Also called: SODIUM CHANNEL MUSCLE DISEASE; MYOTONIA CONGENITA, ACETAZOLAMIDE-RESPONSIVE; MYOTONIA CONGENITA, ATYPICAL; Myotonia congenita, atypical, acetazolamide-responsive. Identifiers: Orphanet 612, Orphanet 99734, Orphanet 99735, Orphanet 99736, MedGen C2931826, MONDO:0018959, OMIM 608390.

Allele frequency attached by ClinVar (database versions not stated): ESP Exome Variant Server 0.00025; gnomAD 0.00038 and 0.00037; ExAC 0.00036; TOPMed 0.00029; gnomAD exomes 0.00034 and 0.00036.
gnomAD v4.1: 502 of 1,471,820 alleles (0.034%); highest among the groups gnomAD compares: Middle Eastern, 0.078%; 1 homozygote.

Submissions (10):

CeGaT Center for Human Genetics Tuebingen
Classification: Likely benign. Last evaluated: 2026-08-01. Review status: criteria provided, single submitter. Criteria: CeGaT Center For Human Genetics Tuebingen Variant Classification Criteria Version 2. Collection method: clinical testing. Allele origin: germline. Affected: yes. Observed: 6 variant alleles.
Comment: SCN4A: BP4, BP7

Labcorp Genetics (formerly Invitae), Labcorp
Classification: Likely benign for Hyperkalemic periodic paralysis. Last evaluated: 2026-01-12. Review status: criteria provided, single submitter. Criteria: Invitae Variant Classification Sherloc (09022015). Collection method: clinical testing. Allele origin: germline.

Blueprint Genetics
Classification: Likely benign. Last evaluated: 2024-11-26. Review status: criteria provided, single submitter. Criteria: ACMG Guidelines, 2015. Collection method: clinical testing. Allele origin: germline.

Illumina Laboratory Services, Illumina
Classification: Benign for Hyperkalemic periodic paralysis. Last evaluated: 2018-01-13. Review status: criteria provided, single submitter. Criteria: ICSL Variant Classification Criteria 13 December 2019. Collection method: clinical testing. Allele origin: germline.
Comment: This variant was observed in the ICSL laboratory as part of a predisposition screen in an ostensibly healthy population. It had not been previously curated by ICSL or reported in the Human Gene Mutation Database (HGMD: prior to June 1st, 2018), and was therefore a candidate for classification through an automated scoring system. Utilizing variant allele frequency, disease prevalence and penetrance estimates, and inheritance mode, an automated score was calculated to assess if this variant is too frequent to cause the disease. Based on the score and internal cut-off values, a variant classified as benign is not then subjected to further curation. The score for this variant resulted in a classification of benign for this disease.

Illumina Laboratory Services, Illumina
Classification: Benign for Paramyotonia congenita of Von Eulenburg. Last evaluated: 2018-01-13. Review status: criteria provided, single submitter. Criteria: ICSL Variant Classification Criteria 13 December 2019. Collection method: clinical testing. Allele origin: germline.
Comment: the same text as in the submission from Illumina Laboratory Services, Illumina above.

Illumina Laboratory Services, Illumina
Classification: Benign for Hypokalemic periodic paralysis, type 2. Last evaluated: 2018-01-13. Review status: criteria provided, single submitter. Criteria: ICSL Variant Classification Criteria 13 December 2019. Collection method: clinical testing. Allele origin: germline.
Comment: the same text as in the submission from Illumina Laboratory Services, Illumina above.

Illumina Laboratory Services, Illumina
Classification: Uncertain significance for Congenital myasthenic syndrome 16. Last evaluated: 2018-01-13. Review status: criteria provided, single submitter. Criteria: ICSL Variant Classification Criteria 13 December 2019. Collection method: clinical testing. Allele origin: germline.

Illumina Laboratory Services, Illumina
Classification: Benign for Potassium-aggravated myotonia. Last evaluated: 2018-01-13. Review status: criteria provided, single submitter. Criteria: ICSL Variant Classification Criteria 13 December 2019. Collection method: clinical testing. Allele origin: germline.
Comment: the same text as in the submission from Illumina Laboratory Services, Illumina above.

GeneDx
Classification: Likely benign. Last evaluated: 2017-07-21. Review status: criteria provided, single submitter. Criteria: GeneDx Variant Classification (06012015). Collection method: clinical testing. Allele origin: germline. Affected: yes.
Comment: This variant is considered likely benign or benign based on one or more of the following criteria: it is a conservative change, it occurs at a poorly conserved position in the protein, it is predicted to be benign by multiple in silico algorithms, and/or has population frequency not consistent with disease.

PreventionGenetics, part of Exact Sciences
Classification: Likely benign. Review status: criteria provided, single submitter. Criteria: ACMG Guidelines, 2015. Collection method: clinical testing. Allele origin: germline.

NM_000334.4(SCN4A):c.3429C>T (p.Phe1143=)

Genes: GH-LCR (growth hormone locus control region; plus strand), SCN4A (sodium voltage-gated channel alpha subunit 4; minus strand). Cytogenetic location: 17q23.3.
Variant type: single nucleotide variant.
Coding change: c.3429C>T on transcript NM_000334.4 (MANE Select); coding-DNA position 3429, C replaced by T.
Protein change: p.Phe1143=; no amino-acid change (phenylalanine 1143 retained).
Molecular consequence: synonymous variant.
Genome position (GRCh38, 1-based): chr17:63,947,057, G>A on the plus strand (C>T on the coding strand, the complement: SCN4A is on the minus strand). VCF-style: chr17-63947057-G-A. GRCh37 (hg19) VCF-style: chr17-62024417-G-A.
Identifiers: ClinVar variation 255848 (VCV000255848.41), dbSNP rs373597946, ClinGen allele CA8709287.